The following is an entry in ClinVar:

ClinVar aggregate classification (germline): Likely benign. Review status: criteria provided, multiple submitters, no conflicts (2 of 4 stars). 2 submissions from 2 submitters: Likely benign (2). Last evaluated 2026-01-11.

Conditions:
Primary ciliary dyskinesia. Also called: Ciliary dyskinesia. Identifiers: Orphanet 244, MedGen C0008780, MONDO:0016575, HP:0012265.

Submissions (2):

Labcorp Genetics (formerly Invitae), Labcorp
Classification: Likely benign for Primary ciliary dyskinesia. Last evaluated: 2026-01-11. Review status: criteria provided, single submitter. Criteria: Invitae Variant Classification Sherloc (09022015). Collection method: clinical testing. Allele origin: germline.

CeGaT Center for Human Genetics Tuebingen
Classification: Likely benign. Last evaluated: 2025-02-01. Review status: criteria provided, single submitter. Criteria: CeGaT Center For Human Genetics Tuebingen Variant Classification Criteria Version 2. Collection method: clinical testing. Allele origin: germline. Affected: yes. Observed: 1 variant allele.
Comment: DNAAF5: PM2:Supporting, BP4, BP7

NM_017802.4(DNAAF5):c.340C>T (p.Leu114=)

Genes: PRKAR1B (protein kinase cAMP-dependent type I regulatory subunit beta; minus strand), DNAAF5 (dynein axonemal assembly factor 5; plus strand). Cytogenetic location: 7p22.3.
Variant type: single nucleotide variant.
Coding change: c.340C>T on transcript NM_017802.4 (MANE Select); coding-DNA position 340, C replaced by T.
Protein change: p.Leu114=; no amino-acid change (leucine 114 retained).
Molecular consequence: synonymous variant. On other transcripts: non-coding transcript variant (1), intron variant (3).
Genome position (GRCh38, 1-based): chr7:727,060, C>T. VCF-style: chr7-727060-C-T. GRCh37 (hg19) VCF-style: chr7-766697-C-T.
Other names: c.-23+595G>A (NM_001164759.1); c.-23+530G>A (NM_001164758.2); c.-23+150G>A (NM_001164760.2).
Identifiers: ClinVar variation 3771306 (VCV003771306.14).
Genomic context (GRCh38, chr7:727,060, plus strand): 5'-GCGCTGGCAGTGCACCTGCTGGATCTGGGCCTGCGCCGCGCCGCGCGGCCCCGCGATGCC[C>T]TGCCGCGCCTGCTGCCCGCGCTCGCCGCGCGCTTGGCCGGCCCCGTGCCCGCGCGCCGCC-3'
Protein context (NP_060272.3, residues 104-124): LRRAARPRDA[Leu114=]PRLLPALAAR